The following is an entry in ClinVar:

ClinVar aggregate classification (germline): Uncertain significance (1 of 4 stars; one submission).

Conditions:
Muscle AMP deaminase deficiency (MMDD). Also called: Myoadenylate deaminase deficiency, myopathy due to; Adenosine monophosphate deaminase 1 deficiency; AMP deaminase 1 deficiency; Adenosine Monophosphate Deaminase 1; AMPD1 DEFICIENCY; ADENOSINE MONOPHOSPHATE DEAMINASE-1 DEFICIENCY, MYOPATHY DUE TO. Identifiers: Orphanet 45, MedGen C3714933, MONDO:0014220, OMIM 615511.

Submission:

Labcorp Genetics (formerly Invitae), Labcorp
Classification: Uncertain significance for Muscle AMP deaminase deficiency. Last evaluated: 2022-07-21. Review status: criteria provided, single submitter. Criteria: Invitae Variant Classification Sherloc (09022015). Collection method: clinical testing. Allele origin: germline.
Comment: This sequence change replaces arginine, which is basic and polar, with proline, which is neutral and non-polar, at codon 757 of the AMPD1 protein (p.Arg757Pro). This variant is not present in population databases (gnomAD no frequency). This variant has not been reported in the literature in individuals affected with AMPD1-related conditions. Algorithms developed to predict the effect of missense changes on protein structure and function (SIFT, PolyPhen-2, Align-GVGD) all suggest that this variant is likely to be disruptive. In summary, the available evidence is currently insufficient to determine the role of this variant in disease. Therefore, it has been classified as a Variant of Uncertain Significance.

NM_000036.3(AMPD1):c.2171G>C (p.Arg724Pro)

Gene: AMPD1 (adenosine monophosphate deaminase 1; minus strand). Cytogenetic location: 1p13.2.
Variant type: single nucleotide variant.
Coding change: c.2171G>C on transcript NM_000036.3 (MANE Select); coding-DNA position 2171, G replaced by C.
Protein change: p.Arg724Pro; replaces arginine 724 with proline.
Molecular consequence: missense variant.
Genome position (GRCh38, 1-based): chr1:114,673,187, C>G on the plus strand (G>C on the coding strand, the complement: AMPD1 is on the minus strand). VCF-style: chr1-114673187-C-G. GRCh37 (hg19) VCF-style: chr1-115215808-C-G.
Other names: c.2159G>C, p.Arg720Pro (NM_001172626.2); short protein forms R720P, R724P.
Identifiers: ClinVar variation 1721735 (VCV001721735.5), dbSNP rs146036570, ClinGen allele CA341742539.